The following is an entry in ClinVar:

NM_019109.5(ALG1):c.377A>T (p.Tyr126Phe)

Gene: ALG1 (ALG1 chitobiosyldiphosphodolichol beta-mannosyltransferase; plus strand). Cytogenetic location: 16p13.3.
Variant type: single nucleotide variant.
Coding change: c.377A>T on transcript NM_019109.5 (MANE Select); coding-DNA position 377, A replaced by T.
Protein change: p.Tyr126Phe; replaces tyrosine 126 with phenylalanine.
Molecular consequence: missense variant.
Genome position (GRCh38, 1-based): chr16:5,073,243, A>T. VCF-style: chr16-5073243-A-T. GRCh37 (hg19) VCF-style: chr16-5123244-A-T.
Other names: c.44A>T, p.Tyr15Phe (NM_001330504.2); short protein forms Y126F, Y15F.
Identifiers: ClinVar variation 1513554 (VCV001513554.8), dbSNP rs200094659, ClinGen allele CA394680023.
Genomic context (GRCh38, chr16:5,073,243, plus strand): 5'-AAGTTGTACTTCAGGCTATGTACTTGCTGTGGAAGTTGATGTGGAGGGAGCCAGGTGCCT[A>T]TATCTTTCTCCAGGTGTGTATCAGCCTCTGCCTCCCTCTGTGAGAGCCATGTTAGCAGTT-3'
Protein context (NP_061982.3, residues 116-136): WKLMWREPGA[Tyr126Phe]IFLQNPPGLP

ClinVar aggregate classification (germline): Uncertain significance (1 of 4 stars; one submission).

Conditions:
ALG1-congenital disorder of glycosylation. Also called: CDG Ik; CONGENITAL DISORDER OF GLYCOSYLATION, TYPE Ik; ALG1-CDG. Identifiers: Orphanet 79327, MedGen C2931005, MONDO:0012052, OMIM 608540.

Submission:

Labcorp Genetics (formerly Invitae), Labcorp
Classification: Uncertain significance for ALG1-congenital disorder of glycosylation. Last evaluated: 2020-12-31. Review status: criteria provided, single submitter. Criteria: Invitae Variant Classification Sherloc (09022015). Collection method: clinical testing. Allele origin: germline.
Comment: Advanced modeling of protein sequence and biophysical properties (such as structural, functional, and spatial information, amino acid conservation, physicochemical variation, residue mobility, and thermodynamic stability) performed at Invitae indicates that this missense variant is not expected to disrupt ALG1 protein function. In summary, the available evidence is currently insufficient to determine the role of this variant in disease. Therefore, it has been classified as a Variant of Uncertain Significance. This variant has not been reported in the literature in individuals with ALG1-related conditions. This variant is not present in population databases (ExAC no frequency). This sequence change replaces tyrosine with phenylalanine at codon 126 of the ALG1 protein (p.Tyr126Phe). The tyrosine residue is moderately conserved and there is a small physicochemical difference between tyrosine and phenylalanine.